The following is an entry in ClinVar:

NM_000255.4(MMUT):c.2032del (p.His678fs)

Gene: MMUT (methylmalonyl-CoA mutase; minus strand). Cytogenetic location: 6p12.3.
Variant type: Deletion.
Coding change: c.2032del on transcript NM_000255.4 (MANE Select); coding-DNA position 2032, one base deleted (C; older notation c.2032delC).
Protein change: p.His678fs; shifts the reading frame from histidine 678.
Molecular consequence: frameshift variant.
Genome position (GRCh38, 1-based): chr6:49,435,548, G deleted on the plus strand (C on the coding strand, the reverse complement: MMUT is on the minus strand). VCF-style (leftmost placement, unchanged base first): chr6-49435547-TG-T. GRCh37 (hg19) VCF-style: chr6-49403260-TG-T.
Other names: short protein forms H678fs.
Identifiers: ClinVar variation 3685675 (VCV003685675.2).
Genomic context (GRCh38, chr6:49,435,547, plus strand): 5'-AGAATATCTGGCCGTCCAAGGGAGTTAAGTTCTTTGATGAGTTCAGGAACTAGGGTTTTA[TG>T]ACCAGCAGCGAGGGTGCTTATGCCCACAGCATGCACATCCGCATCCACAGCCTGCTGGGC-3'

ClinVar aggregate classification (germline): Pathogenic (1 of 4 stars; one submission).

Submission:

Labcorp Genetics (formerly Invitae), Labcorp
Classification: Pathogenic. Last evaluated: 2025-10-15. Review status: criteria provided, single submitter. Criteria: Invitae Variant Classification Sherloc (09022015). Collection method: clinical testing. Allele origin: germline.
Comment: This sequence change creates a premature translational stop signal (p.His678Ilefs*4) in the MUT gene. It is expected to result in an absent or disrupted protein product. Loss-of-function variants in MUT are known to be pathogenic (PMID: 15781192). This variant is not present in population databases (gnomAD no frequency). This variant has not been reported in the literature in individuals affected with MUT-related conditions. ClinVar contains an entry for this variant (Variation ID: 3685675). For these reasons, this variant has been classified as Pathogenic.

Literature cited by the submitters: PubMed 15781192.